The following is an entry in ClinVar:

ClinVar aggregate classification (germline): Uncertain significance (1 of 4 stars; one submission).

Conditions:
Cardiovascular phenotype. Identifiers: MedGen CN230736.

Submission:

Ambry Genetics
Classification: Uncertain significance for Cardiovascular phenotype. Last evaluated: 2025-12-24. Review status: criteria provided, single submitter. Criteria: Ambry Variant Classification Scheme 2023. Collection method: clinical testing. Allele origin: germline.
Comment: The p.D385H variant (also known as c.1153G>C), located in coding exon 6 of the EPHB4 gene, results from a G to C substitution at nucleotide position 1153. The aspartic acid at codon 385 is replaced by histidine, an amino acid with similar properties. This amino acid position is conserved. In addition, this alteration is predicted to be tolerated by in silico analysis. Based on the available evidence, the clinical significance of this variant remains unclear.

NM_004444.5(EPHB4):c.1153G>C (p.Asp385His)

Gene: EPHB4 (EPH receptor B4; minus strand). Cytogenetic location: 7q22.1.
Variant type: single nucleotide variant.
Coding change: c.1153G>C on transcript NM_004444.5 (MANE Select); coding-DNA position 1153, G replaced by C.
Protein change: p.Asp385His; replaces aspartic acid 385 with histidine.
Molecular consequence: missense variant.
Genome position (GRCh38, 1-based): chr7:100,819,701, C>G on the plus strand (G>C on the coding strand, the complement: EPHB4 is on the minus strand). VCF-style: chr7-100819701-C-G. GRCh37 (hg19) VCF-style: chr7-100417323-C-G.
Other names: short protein forms D385H.
Identifiers: ClinVar variation 4842536 (VCV004842536.1).